The following is an entry in ClinVar:

NM_004380.3(CREBBP):c.1146C>T (p.Leu382=)

Gene: CREBBP (CREB binding lysine acetyltransferase; minus strand). Cytogenetic location: 16p13.3.
Variant type: single nucleotide variant.
Coding change: c.1146C>T on transcript NM_004380.3 (MANE Select); coding-DNA position 1146, C replaced by T.
Protein change: p.Leu382=; no amino-acid change (leucine 382 retained).
Molecular consequence: synonymous variant.
Genome position (GRCh38, 1-based): chr16:3,793,456, G>A on the plus strand (C>T on the coding strand, the complement: CREBBP is on the minus strand). VCF-style: chr16-3793456-G-A. GRCh37 (hg19) VCF-style: chr16-3843457-G-A.
Other names: c.1146C>T, p.Leu382= (NM_001079846.1); c.1146C>T (NM_004380.2).
Identifiers: ClinVar variation 2189770 (VCV002189770.6), dbSNP rs1375623286, ClinGen allele CA493394683.

ClinVar aggregate classification (germline): Likely benign. Review status: criteria provided, single submitter (1 of 4 stars). 2 submissions from 2 submitters: Likely benign (1). 1 of the submissions does not count toward it. Last evaluated 2022-02-20.

Conditions:
Rubinstein-Taybi syndrome (RSTS). Identifiers: Orphanet 783, MedGen C0035934, MONDO:0019188.
CREBBP-related disorder. Also called: CREBBP-related condition; CREBBP-related disorders.

gnomAD v4.1: 2 of 1,614,070 alleles (0.00012%); highest among the groups gnomAD compares: Non-Finnish European, 0.000085%; no homozygotes.

Submissions (2):

Labcorp Genetics (formerly Invitae), Labcorp
Classification: Likely benign for Rubinstein-Taybi syndrome. Last evaluated: 2022-02-20. Review status: criteria provided, single submitter. Criteria: Invitae Variant Classification Sherloc (09022015). Collection method: clinical testing. Allele origin: germline.

PreventionGenetics, part of Exact Sciences
Classification: Likely benign for CREBBP-related condition. Last evaluated: 2021-06-02. Review status: no assertion criteria provided. Collection method: clinical testing. Allele origin: germline. Not counted in ClinVar's aggregate classification.
Comment: This variant is classified as likely benign based on ACMG/AMP sequence variant interpretation guidelines (Richards et al. 2015 PMID: 25741868, with internal and published modifications).